The following is an entry in ClinVar:

ClinVar aggregate classification (germline): Uncertain significance (1 of 4 stars; one submission).

Conditions:
Inborn genetic diseases. Identifiers: MedGen C0950123, MeSH D030342.

Submission:

Ambry Genetics
Classification: Uncertain significance for Inborn genetic diseases. Last evaluated: 2026-08-29. Review status: criteria provided, single submitter. Criteria: Ambry Variant Classification Scheme 2023. Collection method: clinical testing. Allele origin: germline.
Comment: The p.V1072G variant (also known as c.3215T>G), located in coding exon 13 of the ASXL1 gene, results from a T to G substitution at nucleotide position 3215. The valine at codon 1072 is replaced by glycine, an amino acid with dissimilar properties. This amino acid position is conserved. In addition, this alteration is predicted to be tolerated by in silico analysis. Based on the available evidence, the clinical significance of this variant remains unclear.

NM_015338.6(ASXL1):c.3215T>G (p.Val1072Gly)

Gene: ASXL1 (ASXL transcriptional regulator 1; plus strand). Cytogenetic location: 20q11.21.
Variant type: single nucleotide variant.
Coding change: c.3215T>G on transcript NM_015338.6 (MANE Select); coding-DNA position 3215, T replaced by G.
Protein change: p.Val1072Gly; replaces valine 1072 with glycine.
Molecular consequence: missense variant.
Genome position (GRCh38, 1-based): chr20:32,435,927, T>G. VCF-style: chr20-32435927-T-G. GRCh37 (hg19) VCF-style: chr20-31023730-T-G.
Other names: c.3032T>G, p.Val1011Gly (NM_001363734.1); short protein forms V1011G, V1072G.
Identifiers: ClinVar variation 5030460 (VCV005030460.1).